The following is an entry in ClinVar:

ClinVar aggregate classification (germline): Pathogenic/Likely pathogenic. Review status: criteria provided, multiple submitters, no conflicts (2 of 4 stars). 3 submissions from 3 submitters: Pathogenic (1); Likely pathogenic (1). 1 of the submissions does not count toward it. Last evaluated 2023-09-19.

Conditions:
Bardet-Biedl syndrome 7 (BBS7). Identifiers: Orphanet 110, MedGen C1859565, MONDO:0014435, OMIM 615984.
Bardet-Biedl syndrome (BBS). Identifiers: Orphanet 110, MedGen C0752166, MONDO:0015229.
BBS7-related disorder. Also called: BBS7-related condition.

Submissions (3):

Labcorp Genetics (formerly Invitae), Labcorp
Classification: Pathogenic for Bardet-Biedl syndrome. Last evaluated: 2023-09-19. Review status: criteria provided, single submitter. Criteria: Invitae Variant Classification Sherloc (09022015). Collection method: clinical testing. Allele origin: germline.
Comment: This variant is not present in population databases (gnomAD no frequency). This sequence change creates a premature translational stop signal (p.Pro25Leufs*19) in the BBS7 gene. It is expected to result in an absent or disrupted protein product. Loss-of-function variants in BBS7 are known to be pathogenic (PMID: 12567324, 19402160, 21209035, 31196119). This variant has not been reported in the literature in individuals affected with BBS7-related conditions. For these reasons, this variant has been classified as Pathogenic.

Baylor Genetics
Classification: Likely pathogenic for Bardet-Biedl syndrome 7. Last evaluated: 2023-05-17. Review status: criteria provided, single submitter. Criteria: ACMG Guidelines, 2015. Collection method: clinical testing. Allele origin: unknown.

PreventionGenetics, part of Exact Sciences
Classification: Likely pathogenic for BBS7-related condition. Last evaluated: 2024-04-10. Review status: no assertion criteria provided. Collection method: clinical testing. Allele origin: germline. Not counted in ClinVar's aggregate classification.
Comment: The BBS7 c.72delT variant is predicted to result in a frameshift and premature protein termination (p.Pro25Leufs*19). To our knowledge, this variant has not been reported in the literature or in a large population database, indicating this variant is rare. Frameshift variants in BBS7 are expected to be pathogenic. This variant is interpreted as likely pathogenic.

Literature cited by the submitters: PubMed 12567324 (cited by Labcorp Genetics (formerly Invitae), Labcorp); PubMed 19402160 (cited by Labcorp Genetics (formerly Invitae), Labcorp); PubMed 21209035 (cited by Labcorp Genetics (formerly Invitae), Labcorp); PubMed 31196119 (cited by Labcorp Genetics (formerly Invitae), Labcorp).

NM_176824.3(BBS7):c.72del (p.Pro25fs)

Gene: BBS7 (Bardet-Biedl syndrome 7; minus strand). Cytogenetic location: 4q27.
Variant type: Deletion.
Coding change: c.72del on transcript NM_176824.3 (MANE Select); coding-DNA position 72, one base deleted (T; older notation c.72delT).
Protein change: p.Pro25fs; shifts the reading frame from proline 25.
Molecular consequence: frameshift variant.
Genome position (GRCh38, 1-based): chr4:121,868,011, A deleted on the plus strand (T on the coding strand, the reverse complement: BBS7 is on the minus strand); the first of 2 consecutive A bases (chr4:121,868,011-121,868,012); deleting either gives the same sequence. VCF-style (leftmost placement, unchanged base first): chr4-121868010-GA-G. GRCh37 (hg19) VCF-style: chr4-122789165-GA-G.
Other names: c.72delT (NM_176824.2); c.72del, p.Pro25fs (NM_018190.4); short protein forms P25fs.
Identifiers: ClinVar variation 2680076 (VCV002680076.5), dbSNP rs1727380246, ClinGen allele CA1067464486.